The following is an entry in ClinVar:

ClinVar aggregate classification (germline): Uncertain significance (1 of 4 stars; one submission).

Conditions:
Neurodevelopmental disorder. Identifiers: MedGen C1535926, MeSH D065886, MONDO:0700092.

Submission:

Broad Center for Mendelian Genomics, Broad Institute of MIT and Harvard
Classification: Uncertain significance for Neurodevelopmental disorder. Last evaluated: 2024-06-19. Review status: criteria provided, single submitter. Criteria: ACMG Guidelines, 2015. Collection method: curation. Allele origin: germline. Inheritance: Autosomal dominant inheritance. Study: GREGoR Consortium.
Comment: While this gene is still lacking sufficient evidence to establish a gene-disease relationship, we believe this is a possible novel gene candidate for neurodevelopmental disorders. Given the limited information about this gene-disease relationship, the significance of the p.Gln316Leu variant is uncertain. If you have any additional information about functional evidence or other individuals with this phenotype that also have variants in MAP2K4 we encourage you to reach out to us.

NM_003010.4(MAP2K4):c.947A>T (p.Gln316Leu)

Gene: MAP2K4 (mitogen-activated protein kinase kinase 4; plus strand). Cytogenetic location: 17p12.
Variant type: single nucleotide variant.
Coding change: c.947A>T on transcript NM_003010.4 (MANE Select); coding-DNA position 947, A replaced by T.
Protein change: p.Gln316Leu; replaces glutamine 316 with leucine.
Molecular consequence: missense variant.
Genome position (GRCh38, 1-based): chr17:12,129,194, A>T. VCF-style: chr17-12129194-A-T. GRCh37 (hg19) VCF-style: chr17-12032511-A-T.
Other names: NM_001281435.2:c.980A>T; c.980A>T, p.Gln327Leu (NM_001281435.2); short protein forms Q316L, Q327L.
Identifiers: ClinVar variation 3252066 (VCV003252066.1), dbSNP rs2508394673.